The following is an entry in ClinVar:

NM_144991.3(TSPEAR):c.82+13552C>T

Genes: KRTAP10-12 (keratin associated protein 10-12; plus strand), TSPEAR (thrombospondin type laminin G domain and EAR repeats; minus strand). Cytogenetic location: 21q22.3.
Variant type: single nucleotide variant.
Coding change: c.82+13552C>T on transcript NM_144991.3 (MANE Select); 13552 bases into the intron after coding-DNA position 82, C replaced by T.
Molecular consequence: intron variant. On other transcripts: missense variant (1).
Genome position (GRCh38, 1-based): chr21:44,697,881, G>A on the plus strand (C>T on the coding strand, the complement: TSPEAR is on the minus strand). VCF-style: chr21-44697881-G-A. GRCh37 (hg19) VCF-style: chr21-46117796-G-A.
Other names: c.680G>A, p.Arg227His (NM_198699.1); c.-184-7275C>T (NM_001272037.2); short protein forms R227H.
Identifiers: ClinVar variation 2652782 (VCV002652782.24), dbSNP rs201774066, ClinGen allele CA10061690.

ClinVar aggregate classification (germline): Likely benign (1 of 4 stars; one submission).

Allele frequency attached by ClinVar (database versions not stated): ESP Exome Variant Server 0.00016; gnomAD 0.00036; 1000 Genomes Project 0.00040; 1000 Genomes Project 30x 0.00047; ExAC 0.00065.
gnomAD v4.1: 789 of 1,603,186 alleles (0.049%); highest among the groups gnomAD compares: Middle Eastern, 0.45%; 9 homozygotes.

Submission:

CeGaT Center for Human Genetics Tuebingen
Classification: Likely benign. Last evaluated: 2023-01-01. Review status: criteria provided, single submitter. Criteria: CeGaT Center For Human Genetics Tuebingen Variant Classification Criteria Version 2. Collection method: clinical testing. Allele origin: germline. Affected: yes. Observed: 1 variant allele.
Comment: TSPEAR: BS2